The following is an entry in ClinVar:

ClinVar aggregate classification (germline): Uncertain significance. Review status: criteria provided, multiple submitters, no conflicts (2 of 4 stars). 2 submissions from 2 submitters: Uncertain significance (2). Last evaluated 2025-08-01.

Conditions:
Inborn genetic diseases. Identifiers: MedGen C0950123, MeSH D030342.

Allele frequency attached by ClinVar (database versions not stated): TOPMed 0.00003.
gnomAD v4.1: 26 of 1,614,102 alleles (0.0016%); highest among the groups gnomAD compares: Middle Eastern, 0.016%; no homozygotes.

Submissions (2):

Ambry Genetics
Classification: Uncertain significance for Inborn genetic diseases. Last evaluated: 2025-08-01. Review status: criteria provided, single submitter. Criteria: Ambry Variant Classification Scheme 2023. Collection method: clinical testing. Allele origin: germline.

Labcorp Genetics (formerly Invitae), Labcorp
Classification: Uncertain significance. Last evaluated: 2022-08-24. Review status: criteria provided, single submitter. Criteria: Invitae Variant Classification Sherloc (09022015). Collection method: clinical testing. Allele origin: germline.
Comment: This sequence change replaces arginine, which is basic and polar, with serine, which is neutral and polar, at codon 2002 of the SRCAP protein (p.Arg2002Ser). This variant is present in population databases (no rsID available, gnomAD 0.0009%). This variant has not been reported in the literature in individuals affected with SRCAP-related conditions. Algorithms developed to predict the effect of missense changes on protein structure and function (SIFT, PolyPhen-2, Align-GVGD) all suggest that this variant is likely to be disruptive. In summary, the available evidence is currently insufficient to determine the role of this variant in disease. Therefore, it has been classified as a Variant of Uncertain Significance.

NM_006662.3(SRCAP):c.6004C>A (p.Arg2002Ser)

Gene: SRCAP (Snf2 related CREBBP activator protein; plus strand). Cytogenetic location: 16p11.2.
Variant type: single nucleotide variant.
Coding change: c.6004C>A on transcript NM_006662.3 (MANE Select); coding-DNA position 6004, C replaced by A.
Protein change: p.Arg2002Ser; replaces arginine 2002 with serine.
Molecular consequence: missense variant.
Genome position (GRCh38, 1-based): chr16:30,729,449, C>A. VCF-style: chr16-30729449-C-A. GRCh37 (hg19) VCF-style: chr16-30740770-C-A.
Other names: c.6004C>A (NM_006662.2); short protein forms R2002S.
Identifiers: ClinVar variation 1985193 (VCV001985193.5), dbSNP rs768710823, ClinGen allele CA395622120.
Genomic context (GRCh38, chr16:30,729,449, plus strand): 5'-CCTGTGGAGGCACCTCCCCCTTCCCTGCATGCCTGCCACCCACCTCCTTGGCTGGCCCCA[C>A]GTCAGGCAGCCTTCCAGGAGCAATTGGCCTCTGAGCTCTGGCCCCGGGCTCGTCCTTTGC-3'
Protein context (NP_006653.2, residues 1992-2012): ACHPPPWLAP[Arg2002Ser]QAAFQEQLAS